The following is an entry in ClinVar:

NM_024685.4(BBS10):c.1125C>T (p.Ile375=)

Gene: BBS10 (Bardet-Biedl syndrome 10; minus strand). Cytogenetic location: 12q21.2.
Variant type: single nucleotide variant.
Coding change: c.1125C>T on transcript NM_024685.4 (MANE Select); coding-DNA position 1125, C replaced by T.
Protein change: p.Ile375=; no amino-acid change (isoleucine 375 retained).
Molecular consequence: synonymous variant.
Genome position (GRCh38, 1-based): chr12:76,346,860, G>A on the plus strand (C>T on the coding strand, the complement: BBS10 is on the minus strand). VCF-style: chr12-76346860-G-A. GRCh37 (hg19) VCF-style: chr12-76740640-G-A.
Other names: c.1125C>T (NM_024685.3).
Identifiers: ClinVar variation 1111257 (VCV001111257.10), dbSNP rs762785764, ClinGen allele CA6694223.

ClinVar aggregate classification (germline): Likely benign. Review status: criteria provided, multiple submitters, no conflicts (2 of 4 stars). 2 submissions from 2 submitters: Likely benign (2). Last evaluated 2026-08-24.

Conditions:
BBS10-related disorder. Also called: BBS10-related condition.
Bardet-Biedl syndrome (BBS). Identifiers: Orphanet 110, MedGen C0752166, MONDO:0015229.

Allele frequency attached by ClinVar (database versions not stated): gnomAD exomes below 0.00001 and 0.00001; ExAC 0.00001.
gnomAD v4.1: 4 of 1,613,788 alleles (0.00025%); highest among the groups gnomAD compares: Admixed American, 0.0033%; no homozygotes.

Submissions (2):

PreventionGenetics, part of Exact Sciences
Classification: Likely benign for BBS10-related condition. Last evaluated: 2026-08-24. Review status: criteria provided, single submitter. Criteria: ACMG Guidelines, 2015. Collection method: clinical testing. Allele origin: germline.
Comment: This variant is classified as likely benign based on ACMG/AMP sequence variant interpretation guidelines (Richards et al. 2015 PMID: 25741868, with internal and published modifications).

Labcorp Genetics (formerly Invitae), Labcorp
Classification: Likely benign for Bardet-Biedl syndrome. Last evaluated: 2023-11-19. Review status: criteria provided, single submitter. Criteria: Invitae Variant Classification Sherloc (09022015). Collection method: clinical testing. Allele origin: germline.